The following is an entry in ClinVar:

ClinVar aggregate classification (germline): Uncertain significance (1 of 4 stars; one submission).

Submission:

GeneDx
Classification: Uncertain significance. Last evaluated: 2023-03-22. Review status: criteria provided, single submitter. Criteria: GeneDx Variant Classification Process June 2021. Collection method: clinical testing. Allele origin: germline. Affected: yes.
Comment: Not observed at significant frequency in large population cohorts (gnomAD); In silico analysis supports that this missense variant has a deleterious effect on protein structure/function; Has not been previously published as pathogenic or benign to our knowledge

NM_014991.6(WDFY3):c.974A>T (p.Glu325Val)

Gene: WDFY3 (WD repeat and FYVE domain containing 3; minus strand). Cytogenetic location: 4q21.23.
Variant type: single nucleotide variant.
Coding change: c.974A>T on transcript NM_014991.6 (MANE Select); coding-DNA position 974, A replaced by T.
Protein change: p.Glu325Val; replaces glutamic acid 325 with valine.
Molecular consequence: missense variant.
Genome position (GRCh38, 1-based): chr4:84,826,964, T>A on the plus strand (A>T on the coding strand, the complement: WDFY3 is on the minus strand). VCF-style: chr4-84826964-T-A. GRCh37 (hg19) VCF-style: chr4-85748117-T-A.
Other names: short protein forms E325V.
Identifiers: ClinVar variation 2580636 (VCV002580636.1), dbSNP rs1754955554, ClinGen allele CA357573717.
Genomic context (GRCh38, chr4:84,826,964, plus strand): 5'-TATGTTGTTAGGGAAGTTATCAGATTAACCAGATCTTTCAAGGCATCTTTGGATTCTGCC[T>A]CTTTTGCTTGTTCCAATCTAGAAAAGTATGATTTAGAAAGTATTTTTTTTCTCTTTGGTT-3'
Protein context (NP_055806.2, residues 315-335): DLLLRLEQAK[Glu325Val]AESKDALKDL